The following is an entry in ClinVar:

ClinVar aggregate classification (germline): Uncertain significance (1 of 4 stars; one submission).

Conditions:
Alzheimer disease. Also called: Alzheimer's disease; Presenile and senile dementia. Identifiers: Orphanet 1020, MedGen C0002395, MeSH D000544, MONDO:0004975, HP:0002511.

Submission:

Labcorp Genetics (formerly Invitae), Labcorp
Classification: Uncertain significance for Alzheimer disease. Last evaluated: 2023-04-03. Review status: criteria provided, single submitter. Criteria: Invitae Variant Classification Sherloc (09022015). Collection method: clinical testing. Allele origin: germline.
Comment: In summary, the available evidence is currently insufficient to determine the role of this variant in disease. Therefore, it has been classified as a Variant of Uncertain Significance. Experimental studies and prediction algorithms are not available or were not evaluated, and the effect of this variant on mRNA splicing is currently unknown. Experimental studies and prediction algorithms are not available or were not evaluated, and the functional significance of this variant is currently unknown. This variant has not been reported in the literature in individuals affected with APP-related conditions. Information on the frequency of this variant in the gnomAD database is not available, as this variant may be reported differently in the database. This variant, c.1078_1087delinsC, is a complex sequence change that results in the deletion of 4 and insertion of 1 amino acid(s) in the APP protein (p.Asp360_Lys363delinsGln).

NM_000484.4(APP):c.1078_1087delinsC (p.Asp360_Lys363delinsGln)

Gene: APP (amyloid beta precursor protein; minus strand). Cytogenetic location: 21q21.3.
Variant type: Indel.
Coding change: c.1078_1087delinsC on transcript NM_000484.4 (MANE Select); coding-DNA positions 1078 to 1087, GATCCTGTTA replaced by C.
Protein change: p.Asp360_Lys363delinsGln.
Molecular consequence: inframe indel. On other transcripts: intron variant (7).
Genome position (GRCh38, 1-based): chr21:25,997,363-25,997,372, TAACAGGATC replaced by G on the plus strand (GATCCTGTTA replaced by C on the coding strand, the reverse complement: APP is on the minus strand). VCF-style: chr21-25997363-TAACAGGATC-G. GRCh37 (hg19) VCF-style: chr21-27369678-TAACAGGATC-G.
Other names: c.910_919delinsC, p.Asp304_Lys307delinsGln (NM_001136130.3, NM_001385253.1); c.1078_1087delinsC, p.Asp360_Lys363delinsGln (NM_001204301.2); c.761-14895_761-14886delinsC (NM_001136131.3); c.698-14895_698-14886delinsC (NM_001136129.3); c.866-14895_866-14886delinsC (NM_001204303.2, NM_201414.3); c.1033+2643_1033+2652delinsC (NM_001204302.2, NM_201413.3); c.1018+2643_1018+2652delinsC (NM_001136016.3).
Identifiers: ClinVar variation 662051 (VCV000662051.4), dbSNP rs1601155187, ClinGen allele CA915953120.
Genomic context (GRCh38, chr21:25,997,363, plus strand): 5'-TGAACCAAGCAGCATCCTCCTCCCCTCTTCCCTTCCCTCAGGTGAATGACAACGTACGTT[TAACAGGATC>G]TCGGGCAAGAGGTTCCTGGGTAGTCTTGAGTAAACTTTGGGACACTATGGAAAAAATAAG-3'